The following is an entry in ClinVar:

NM_005996.4(TBX3):c.657+1G>A

Gene: TBX3 (T-box transcription factor 3; minus strand). Cytogenetic location: 12q24.21.
Variant type: single nucleotide variant.
Coding change: c.657+1G>A on transcript NM_005996.4 (MANE Select); the canonical splice donor site of the intron after coding-DNA position 657, G replaced by A.
Molecular consequence: splice donor variant.
Genome position (GRCh38, 1-based): chr12:114,680,878, C>T on the plus strand (G>A on the coding strand, the complement: TBX3 is on the minus strand). VCF-style: chr12-114680878-C-T. GRCh37 (hg19) VCF-style: chr12-115118683-C-T.
Other names: c.657+1G>A (NM_016569.4).
Identifiers: ClinVar variation 3356423 (VCV003356423.1).
Genomic context (GRCh38, chr12:114,680,878, plus strand): 5'-GCACTGCCTTTGACTGAGTGAAGGAGGAGAAAATTTTACTGAAGAGAGCAATGAAACTTA[C>T]AAATCCATGTTTGTCTGAAATGTTGTTGGTGAGTTTCAGTTTGTGGAAAGTGACGACTTT-3'

ClinVar aggregate classification (germline): Pathogenic (0 of 4 stars; one submission).

Conditions:
TBX3-related disorder. Also called: TBX3-related condition.

Submission:

PreventionGenetics, part of Exact Sciences
Classification: Pathogenic for TBX3-related condition. Last evaluated: 2024-03-08. Review status: no assertion criteria provided. Collection method: clinical testing. Allele origin: germline.
Comment: The TBX3 c.657+1G>A variant is predicted to disrupt the GT donor site and interfere with normal splicing. To our knowledge, this variant has not been reported in the literature or in a large population database, indicating this variant is rare. A different nucleotide change at the same position, c.657+1G>C, has been reported in an individual with ulnar-mammary syndrome (Bamshad et al 1997. PubMed ID: 9207801). Variants that disrupt the consensus splice donor site in TBX3 are expected to be pathogenic. This variant is interpreted as pathogenic.